The following is an entry in ClinVar:

ClinVar aggregate classification (germline): Uncertain significance. Review status: criteria provided, multiple submitters, no conflicts (2 of 4 stars). 2 submissions from 2 submitters: Uncertain significance (2). Last evaluated 2025-03-15.

Conditions:
Alpha thalassemia-X-linked intellectual disability syndrome (ATRX). Also called: ATR, NONDELETION TYPE; ATR-X syndrome; Alpha thalassemia mental retardation syndrome, nondeletion type, X-linked; XLMR hypotonic face syndrome; ALPHA-THALASSEMIA/MENTAL RETARDATION SYNDROME, X-LINKED; X-linked alpha-thalassemia-mental retardation syndrome. Identifiers: Orphanet 847, MedGen C1845055, MONDO:0010519, OMIM 301040.

Submissions (2):

Labcorp Genetics (formerly Invitae), Labcorp
Classification: Uncertain significance for Alpha thalassemia-X-linked intellectual disability syndrome. Last evaluated: 2025-03-15. Review status: criteria provided, single submitter. Criteria: Invitae Variant Classification Sherloc (09022015). Collection method: clinical testing. Allele origin: germline.
Comment: This sequence change replaces serine, which is neutral and polar, with phenylalanine, which is neutral and non-polar, at codon 336 of the ATRX protein (p.Ser336Phe). This variant is not present in population databases (gnomAD no frequency). This variant has not been reported in the literature in individuals affected with ATRX-related conditions. ClinVar contains an entry for this variant (Variation ID: 1801143). Invitae Evidence Modeling of protein sequence and biophysical properties (such as structural, functional, and spatial information, amino acid conservation, physicochemical variation, residue mobility, and thermodynamic stability) indicates that this missense variant is not expected to disrupt ATRX protein function with a negative predictive value of 95%. In summary, the available evidence is currently insufficient to determine the role of this variant in disease. Therefore, it has been classified as a Variant of Uncertain Significance.

GeneDx
Classification: Uncertain significance. Last evaluated: 2022-05-25. Review status: criteria provided, single submitter. Criteria: GeneDx Variant Classification Process June 2021. Collection method: clinical testing. Allele origin: germline. Affected: yes.
Comment: Not observed at significant frequency in large population cohorts (gnomAD); In silico analysis supports that this missense variant does not alter protein structure/function; Has not been previously published as pathogenic or benign to our knowledge

NM_000489.6(ATRX):c.1007C>T (p.Ser336Phe)

Gene: ATRX (ATRX chromatin remodeler; minus strand). Cytogenetic location: Xq21.1.
Variant type: single nucleotide variant.
Coding change: c.1007C>T on transcript NM_000489.6 (MANE Select); coding-DNA position 1007, C replaced by T.
Protein change: p.Ser336Phe; replaces serine 336 with phenylalanine.
Molecular consequence: missense variant.
Genome position (GRCh38, 1-based): chrX:77,684,249, G>A on the plus strand (C>T on the coding strand, the complement: ATRX is on the minus strand). VCF-style: chrX-77684249-G-A. GRCh37 (hg19) VCF-style: chrX-76939741-G-A.
Other names: c.893C>T, p.Ser298Phe (NM_138270.5); short protein forms S298F, S336F.
Identifiers: ClinVar variation 1801143 (VCV001801143.2), dbSNP rs2148632640, ClinGen allele CA413719884.